The following is an entry in ClinVar:

ClinVar aggregate classification (germline): Uncertain significance (1 of 4 stars; one submission).

Conditions:
Inborn genetic diseases. Identifiers: MedGen C0950123, MeSH D030342.

Submission:

Ambry Genetics
Classification: Uncertain significance for Inborn genetic diseases. Last evaluated: 2025-12-28. Review status: criteria provided, single submitter. Criteria: Ambry Variant Classification Scheme 2023. Collection method: clinical testing. Allele origin: germline.
Comment: The p.T478I variant (also known as c.1433C>T), located in coding exon 1 of the SAMD9L gene, results from a C to T substitution at nucleotide position 1433. The threonine at codon 478 is replaced by isoleucine, an amino acid with similar properties. This amino acid position is conserved. In addition, this alteration is predicted to be tolerated by in silico analysis. Based on the available evidence, the clinical significance of this variant remains unclear.

NM_152703.5(SAMD9L):c.1433C>T (p.Thr478Ile)

Gene: SAMD9L (sterile alpha motif domain containing 9 like; minus strand). Cytogenetic location: 7q21.2.
Variant type: single nucleotide variant.
Coding change: c.1433C>T on transcript NM_152703.5 (MANE Select); coding-DNA position 1433, C replaced by T.
Protein change: p.Thr478Ile; replaces threonine 478 with isoleucine.
Molecular consequence: missense variant.
Genome position (GRCh38, 1-based): chr7:93,134,539, G>A on the plus strand (C>T on the coding strand, the complement: SAMD9L is on the minus strand). VCF-style: chr7-93134539-G-A. GRCh37 (hg19) VCF-style: chr7-92763852-G-A.
Other names: c.1433C>T, p.Thr478Ile (NM_001303496.3, NM_001303497.3, NM_001303498.3 and 5 more transcripts); short protein forms T478I.
Identifiers: ClinVar variation 4842022 (VCV004842022.1).